The following is an entry in ClinVar:

NM_024675.4(PALB2):c.3248_3251del (p.Glu1083fs)

Gene: PALB2 (partner and localizer of BRCA2; minus strand). Cytogenetic location: 16p12.2.
Variant type: Deletion.
Coding change: c.3248_3251del on transcript NM_024675.4 (MANE Select); coding-DNA positions 3248 to 3251, 4 bases deleted (AGTC; older notation c.3248_3251delAGTC).
Protein change: p.Glu1083fs; shifts the reading frame from glutamic acid 1083.
Molecular consequence: frameshift variant.
Genome position (GRCh38, 1-based): chr16:23,607,963-23,607,966, GACT deleted on the plus strand (AGTC on the coding strand, the reverse complement: PALB2 is on the minus strand). VCF-style (leftmost placement, unchanged base first): chr16-23607962-CGACT-C. GRCh37 (hg19) VCF-style: chr16-23619283-CGACT-C.
Other names: c.3248_3251del (NM_024675.3); short protein forms E1083fs.
Identifiers: ClinVar variation 1379059 (VCV001379059.8), dbSNP rs1966510953, ClinGen allele CA2213428899.

ClinVar aggregate classification (germline): Pathogenic/Likely pathogenic. Review status: criteria provided, multiple submitters, no conflicts (2 of 4 stars). 2 submissions from 2 submitters: Pathogenic (1); Likely pathogenic (1). Last evaluated 2025-02-04.

Conditions:
Familial cancer of breast. Also called: Hereditary breast cancer; BREAST CANCER, FAMILIAL; hereditary breast carcinoma. Identifiers: Orphanet 227535, MedGen C0346153, MONDO:0016419, OMIM 114480. Disease mechanism: loss of function.

Allele frequency attached by ClinVar (database versions not stated): TOPMed below 0.00001.

Submissions (2):

Quest Diagnostics Nichols Institute San Juan Capistrano
Classification: Likely pathogenic. Last evaluated: 2025-02-04. Review status: criteria provided, single submitter. Criteria: Quest Diagnostics criteria. Collection method: clinical testing. Allele origin: unknown.
Comment: The PALB2 c.3248_3251del (p.Glu1083Glyfs*11) variant alters the translational reading frame of the PALB2 mRNA and is predicted to cause the premature termination of PALB2 protein synthesis. This variant has not been reported in individuals with PALB2-related conditions in the published literature. This variant has not been reported in large, multi-ethnic general populations (Genome Aggregation Database). Based on the available information, this variant is classified as likely pathogenic.

Labcorp Genetics (formerly Invitae), Labcorp
Classification: Pathogenic for Familial cancer of breast. Last evaluated: 2021-08-10. Review status: criteria provided, single submitter. Criteria: Invitae Variant Classification Sherloc (09022015). Collection method: clinical testing. Allele origin: germline.
Comment: This variant is not present in population databases (ExAC no frequency). This sequence change creates a premature translational stop signal (p.Glu1083Glyfs*11) in the PALB2 gene. It is expected to result in an absent or disrupted protein product. Loss-of-function variants in PALB2 are known to be pathogenic (PMID: 17200668, 17200671, 17200672, 24136930, 25099575). This variant has not been reported in the literature in individuals affected with PALB2-related conditions. For these reasons, this variant has been classified as Pathogenic.

Literature cited by the submitters: PubMed 17200668 (cited by Labcorp Genetics (formerly Invitae), Labcorp); PubMed 17200671 (cited by Labcorp Genetics (formerly Invitae), Labcorp); PubMed 17200672 (cited by Labcorp Genetics (formerly Invitae), Labcorp); PubMed 24136930 (cited by Labcorp Genetics (formerly Invitae), Labcorp); PubMed 25099575 (cited by Labcorp Genetics (formerly Invitae), Labcorp).